The following is an entry in ClinVar:

ClinVar aggregate classification (germline): Uncertain significance (1 of 4 stars; one submission).

gnomAD v4.1: 1 of 1,559,494 alleles (0.000064%); highest among the groups gnomAD compares: South Asian, 0.0012%; no homozygotes.

Submission:

GeneDx
Classification: Uncertain significance. Last evaluated: 2025-06-30. Review status: criteria provided, single submitter. Criteria: GeneDx Variant Classification Process June 2021. Collection method: clinical testing. Allele origin: germline. Affected: yes.
Comment: Not observed at significant frequency in large population cohorts (gnomAD); In silico analysis supports that this missense variant has a deleterious effect on protein structure/function; Has not been previously published as pathogenic or benign to our knowledge

NM_002069.6(GNAI1):c.863C>G (p.Pro288Arg)

Gene: GNAI1 (G protein subunit alpha i1; plus strand). Cytogenetic location: 7q21.11.
Variant type: single nucleotide variant.
Coding change: c.863C>G on transcript NM_002069.6 (MANE Select); coding-DNA position 863, C replaced by G.
Protein change: p.Pro288Arg; replaces proline 288 with arginine.
Molecular consequence: missense variant.
Genome position (GRCh38, 1-based): chr7:80,212,858, C>G. VCF-style: chr7-80212858-C-G. GRCh37 (hg19) VCF-style: chr7-79842174-C-G.
Other names: c.707C>G, p.Pro236Arg (NM_001256414.2); short protein forms P236R, P288R.
Identifiers: ClinVar variation 4680976 (VCV004680976.1).